The following is an entry in ClinVar:

NM_001372.4(DNAH9):c.6847+4C>T

Gene: DNAH9 (dynein axonemal heavy chain 9; plus strand). Cytogenetic location: 17p12.
Variant type: single nucleotide variant.
Coding change: c.6847+4C>T on transcript NM_001372.4 (MANE Select); 4 bases into the intron after coding-DNA position 6847, C replaced by T.
Molecular consequence: intron variant.
Genome position (GRCh38, 1-based): chr17:11,756,680, C>T. VCF-style: chr17-11756680-C-T. GRCh37 (hg19) VCF-style: chr17-11659997-C-T.
Identifiers: ClinVar variation 1914418 (VCV001914418.4), dbSNP rs199767323, ClinGen allele CA8396430.

ClinVar aggregate classification (germline): Conflicting classifications of pathogenicity. Review status: criteria provided, conflicting classifications (1 of 4 stars). 2 submissions from 2 submitters: Uncertain significance (1); Likely benign (1). Last evaluated 2025-10-29.

Allele frequency attached by ClinVar (database versions not stated): ExAC 0.00001; TOPMed 0.00002; gnomAD 0.00003; ESP Exome Variant Server 0.00008; 1000 Genomes Project 30x 0.00016; 1000 Genomes Project 0.00020.
gnomAD v4.1: 39 of 1,583,212 alleles (0.0025%); highest among the groups gnomAD compares: African/African-American, 0.0094%; no homozygotes.

Submissions (2):

Labcorp Genetics (formerly Invitae), Labcorp
Classification: Uncertain significance. Last evaluated: 2025-10-29. Review status: criteria provided, single submitter. Criteria: Invitae Variant Classification Sherloc (09022015). Collection method: clinical testing. Allele origin: germline.
Comment: This sequence change falls in intron 34 of the DNAH9 gene. It does not directly change the encoded amino acid sequence of the DNAH9 protein. It affects a nucleotide within the consensus splice site. This variant is present in population databases (rs199767323, gnomAD 0.02%). This variant has not been reported in the literature in individuals affected with DNAH9-related conditions. ClinVar contains an entry for this variant (Variation ID: 1914418). Variants that disrupt the consensus splice site are a relatively common cause of aberrant splicing (PMID: 17576681, 9536098). Algorithms developed to predict the effect of sequence changes on RNA splicing suggest that this variant is not likely to affect RNA splicing. In summary, the available evidence is currently insufficient to determine the role of this variant in disease. Therefore, it has been classified as a Variant of Uncertain Significance.

Blueprint Genetics
Classification: Likely benign. Last evaluated: 2023-03-08. Review status: criteria provided, single submitter. Criteria: ACMG Guidelines, 2015. Collection method: clinical testing. Allele origin: germline.

Literature cited by the submitters: PubMed 17576681 (cited by Labcorp Genetics (formerly Invitae), Labcorp); PubMed 9536098 (cited by Labcorp Genetics (formerly Invitae), Labcorp).